The following is an entry in ClinVar:

ClinVar aggregate classification (germline): Uncertain significance (1 of 4 stars; one submission).

Conditions:
CFI-related disorder. Also called: CFI-related condition; CFI-related disorders. Identifiers: MedGen CN239325.

Submission:

Genomenon, Inc
Classification: Uncertain significance for CFI-related disorder. Last evaluated: 2026-09-17. Review status: criteria provided, single submitter. Criteria: Genomenon Sequence Variant Interpretation Standards - Updated. Collection method: curation. Allele origin: germline. Affected: no.
Comment: CFI p.Asp289Ala (c.866A>C) is a missense variant that changes the amino acid at codon 289 from Aspartic acid to Alanine. This variant has been reported in the published literature (PMID:37363824). It is absent or not present at a significant frequency in gnomAD. In silico models predict that this variant is possibly or probably damaging. In conclusion, we classify CFI p.Asp289Ala (c.866A>C) as a variant of uncertain significance.

Literature cited by the submitters: PubMed 37363824.

NM_000204.5(CFI):c.866A>C (p.Asp289Ala)

Gene: CFI (complement factor I; minus strand). Cytogenetic location: 4q25.
Variant type: single nucleotide variant.
Coding change: c.866A>C on transcript NM_000204.5 (MANE Select); coding-DNA position 866, A replaced by C.
Protein change: p.Asp289Ala; replaces aspartic acid 289 with alanine.
Molecular consequence: missense variant. On other transcripts: non-coding transcript variant (3).
Genome position (GRCh38, 1-based): chr4:109,760,287, T>G on the plus strand (A>C on the coding strand, the complement: CFI is on the minus strand). VCF-style: chr4-109760287-T-G. GRCh37 (hg19) VCF-style: chr4-110681443-T-G.
Other names: c.866A>C, p.Asp289Ala (NM_001318057.2, NM_001331035.2, NM_001375278.1 and 10 more transcripts); c.257A>C, p.Asp86Ala (NM_001375284.1); short protein forms D289A, D86A.
Identifiers: ClinVar variation 4976862 (VCV004976862.1).